The following is an entry in ClinVar:

NM_139248.3(LIPH):c.121G>A (p.Val41Met)

Gene: LIPH (lipase H; minus strand). Cytogenetic location: 3q27.2.
Variant type: single nucleotide variant.
Coding change: c.121G>A on transcript NM_139248.3 (MANE Select); coding-DNA position 121, G replaced by A.
Protein change: p.Val41Met; replaces valine 41 with methionine.
Molecular consequence: missense variant.
Genome position (GRCh38, 1-based): chr3:185,535,061, C>T on the plus strand (G>A on the coding strand, the complement: LIPH is on the minus strand). VCF-style: chr3-185535061-C-T. GRCh37 (hg19) VCF-style: chr3-185252849-C-T.
Other names: short protein forms V41M.
Identifiers: ClinVar variation 729994 (VCV000729994.12), dbSNP rs61749467, ClinGen allele CA2740698.

ClinVar aggregate classification (germline): Benign. Review status: criteria provided, multiple submitters, no conflicts (2 of 4 stars). 3 submissions from 3 submitters: Benign (2). 1 of the submissions does not count toward it. Last evaluated 2026-01-09.

Conditions:
LIPH-related disorder. Also called: LIPH-related condition.

Allele frequency attached by ClinVar (database versions not stated): gnomAD exomes 0.00058 and 0.00177; ExAC 0.00218; gnomAD 0.00685 and 0.00732; TOPMed 0.00829; ESP Exome Variant Server 0.00853; 1000 Genomes Project 0.00859; 1000 Genomes Project 30x 0.00874.

Submissions (3):

Labcorp Genetics (formerly Invitae), Labcorp
Classification: Benign. Last evaluated: 2026-01-09. Review status: criteria provided, single submitter. Criteria: Invitae Variant Classification Sherloc (09022015). Collection method: clinical testing. Allele origin: germline.

Breakthrough Genomics
Classification: Benign. Review status: criteria provided, single submitter. Criteria: ACMG Guidelines, 2015. Collection method: not provided. Allele origin: germline. Inheritance: Autosomal recessive inheritance. Affected: yes.

PreventionGenetics, part of Exact Sciences
Classification: Benign for LIPH-related condition. Last evaluated: 2019-06-07. Review status: no assertion criteria provided. Collection method: clinical testing. Allele origin: germline. Not counted in ClinVar's aggregate classification.
Comment: This variant is classified as benign based on ACMG/AMP sequence variant interpretation guidelines (Richards et al. 2015 PMID: 25741868, with internal and published modifications).